The following is an entry in ClinVar:

NM_004415.4(DSP):c.2793+19T>C

Gene: DSP (desmoplakin; plus strand). Cytogenetic location: 6p24.3.
Variant type: single nucleotide variant.
Coding change: c.2793+19T>C on transcript NM_004415.4 (MANE Select); 19 bases into the intron after coding-DNA position 2793, T replaced by C.
Molecular consequence: intron variant.
Genome position (GRCh38, 1-based): chr6:7,576,475, T>C. VCF-style: chr6-7576475-T-C. GRCh37 (hg19) VCF-style: chr6-7576708-T-C.
Other names: c.2793+19T>C (LRG_423t1, NM_001319034.2, NM_001008844.3).
Identifiers: ClinVar variation 511492 (VCV000511492.6), dbSNP rs778502149, ClinGen allele CA035409.

ClinVar aggregate classification (germline): Likely benign. Review status: criteria provided, multiple submitters, no conflicts (2 of 4 stars). 2 submissions from 2 submitters: Likely benign (2). Last evaluated 2025-04-23.

Conditions:
Arrhythmogenic right ventricular dysplasia 8 (ARVD8). Also called: Arrhythmogenic Right Ventricular Dysplasia/Cardiomyopathy 8; ARRHYTHMOGENIC RIGHT VENTRICULAR DYSPLASIA, FAMILIAL, 8; ARRHYTHMOGENIC RIGHT VENTRICULAR CARDIOMYOPATHY 8. Identifiers: MedGen C1843896, MONDO:0011831, OMIM 607450.
Arrhythmogenic cardiomyopathy with wooly hair and keratoderma. Also called: Carvajal syndrome; Dilated cardiomyopathy with woolly hair and keratoderma; Arrhythmogenic cardiomyopathy with woolly hair and keratoderma; PALMOPLANTAR KERATODERMA WITH LEFT VENTRICULAR CARDIOMYOPATHY AND WOOLLY HAIR. Identifiers: Orphanet 65282, MedGen C1854063, MONDO:0011581, OMIM 605676.

Allele frequency attached by ClinVar (database versions not stated): TOPMed below 0.00001; ExAC 0.00001; gnomAD 0.00001; gnomAD exomes 0.00001 and 0.00004.
gnomAD v4.1: 64 of 1,613,932 alleles (0.004%); highest among the groups gnomAD compares: Non-Finnish European, 0.0054%; no homozygotes.

Submissions (2):

Labcorp Genetics (formerly Invitae), Labcorp
Classification: Likely benign for Arrhythmogenic cardiomyopathy with wooly hair and keratoderma; Arrhythmogenic right ventricular dysplasia 8. Last evaluated: 2025-04-23. Review status: criteria provided, single submitter. Criteria: Invitae Variant Classification Sherloc (09022015). Collection method: clinical testing. Allele origin: germline.

GeneDx
Classification: Likely benign. Last evaluated: 2017-08-16. Review status: criteria provided, single submitter. Criteria: GeneDx Variant Classification (06012015). Collection method: clinical testing. Allele origin: germline. Affected: yes.
Comment: This variant is considered likely benign or benign based on one or more of the following criteria: it is a conservative change, it occurs at a poorly conserved position in the protein, it is predicted to be benign by multiple in silico algorithms, and/or has population frequency not consistent with disease.